The following is an entry in ClinVar:

ClinVar aggregate classification (germline): Uncertain significance (1 of 4 stars; one submission).

Conditions:
Hereditary cancer-predisposing syndrome. Also called: Neoplastic Syndromes, Hereditary; Tumor predisposition; Hereditary neoplastic syndrome; Hereditary Cancer Syndrome. Identifiers: Orphanet 140162, MedGen C0027672, MeSH D009386, MONDO:0015356.

Submission:

Ambry Genetics
Classification: Uncertain significance for Hereditary cancer-predisposing syndrome. Last evaluated: 2026-07-07. Review status: criteria provided, single submitter. Criteria: Ambry Variant Classification Scheme 2023. Collection method: clinical testing. Allele origin: germline.
Comment: The p.L135Q variant (also known as c.404T>A), located in coding exon 2 of the TMEM127 gene, results from a T to A substitution at nucleotide position 404. The leucine at codon 135 is replaced by glutamine, an amino acid with dissimilar properties. This amino acid position is conserved. In addition, this alteration is predicted to be deleterious by in silico analysis. Based on the available evidence, the clinical significance of this variant remains unclear.

NM_017849.4(TMEM127):c.404T>A (p.Leu135Gln)

Gene: TMEM127 (transmembrane protein 127; minus strand). Cytogenetic location: 2q11.2.
Variant type: single nucleotide variant.
Coding change: c.404T>A on transcript NM_017849.4 (MANE Select); coding-DNA position 404, T replaced by A.
Protein change: p.Leu135Gln; replaces leucine 135 with glutamine.
Molecular consequence: missense variant.
Genome position (GRCh38, 1-based): chr2:96,254,838, A>T on the plus strand (T>A on the coding strand, the complement: TMEM127 is on the minus strand). VCF-style: chr2-96254838-A-T. GRCh37 (hg19) VCF-style: chr2-96920576-A-T.
Other names: c.404T>A, p.Leu135Gln (NM_001193304.3); c.152T>A, p.Leu51Gln (NM_001407282.1, NM_001407283.1); short protein forms L51Q, L135Q.
Identifiers: ClinVar variation 5030913 (VCV005030913.1).